The following is an entry in ClinVar:

NM_001009944.3(PKD1):c.8109C>T (p.Thr2703=)

Gene: PKD1 (polycystin 1, transient receptor potential channel interacting; minus strand). Cytogenetic location: 16p13.3.
Variant type: single nucleotide variant.
Coding change: c.8109C>T on transcript NM_001009944.3 (MANE Select); coding-DNA position 8109, C replaced by T.
Protein change: p.Thr2703=; no amino-acid change (threonine 2703 retained).
Molecular consequence: synonymous variant.
Genome position (GRCh38, 1-based): chr16:2,104,550, G>A on the plus strand (C>T on the coding strand, the complement: PKD1 is on the minus strand). VCF-style: chr16-2104550-G-A. GRCh37 (hg19) VCF-style: chr16-2154551-G-A.
Other names: c.8109C>T, p.Thr2703= (NM_000296.4).
Identifiers: ClinVar variation 257010 (VCV000257010.17), dbSNP rs149879790, ClinGen allele CA7830722.
Genomic context (GRCh38, chr16:2,104,550, plus strand): 5'-CGCGGCACCTGTGATGTTGAGGATGCTGTCTCCGATGGCGGTGGGCGTCACGGTGCCCGC[G>A]GTGGTCTCTGCCTGCAGGATGAGCATCATGGCCTCCAGCTTGTGCAGCGTCTGCTTCAGG-3'
Protein context (NP_001009944.3, residues 2693-2713): AMMLILQAET[Thr2703=]AGTVTPTAIG

ClinVar aggregate classification (germline): Benign/Likely benign. Review status: criteria provided, multiple submitters, no conflicts (2 of 4 stars). 8 submissions from 8 submitters: Benign (1); Likely benign (4). 3 of the submissions do not count toward it. Last evaluated 2025-04-25.

Conditions:
Polycystic kidney disease, adult type (PKD1). Also called: Polycystic Kidney, Autosomal Dominant; Polycystic Kidney Disease 1, Autosomal Dominant; Polycystic kidney disease 1; Polycystic kidney disease 1, severe; POLYCYSTIC KIDNEY DISEASE 1 WITH OR WITHOUT POLYCYSTIC LIVER DISEASE; POLYCYSTIC KIDNEY DISEASE, ADULT, TYPE I. Identifiers: MedGen C3149841, MONDO:0008263, OMIM 173900.
Polycystic kidney disease. Also called: Polycystic kidney dysplasia; Kidney, Polycystic. Identifiers: MedGen C0022680, MeSH D007690, MONDO:0020642, HP:0000113.

Allele frequency attached by ClinVar (database versions not stated): gnomAD exomes 0.00093 and 0.00135; ExAC 0.00198; 1000 Genomes Project 0.00280; 1000 Genomes Project 30x 0.00344; ESP Exome Variant Server 0.00346; TOPMed 0.00373; gnomAD 0.00411.
gnomAD v4.1: 1,931 of 1,591,226 alleles (0.12%); highest among the groups gnomAD compares: African/African-American, 1.2%; 13 homozygotes.

Submissions (8):

Women's Health and Genetics/Laboratory Corporation of America, LabCorp
Classification: Likely benign. Last evaluated: 2025-04-25. Review status: criteria provided, single submitter. Criteria: LabCorp Variant Classification Summary - May 2015. Collection method: clinical testing. Allele origin: germline.

Blueprint Genetics
Classification: Likely benign. Last evaluated: 2024-11-05. Review status: criteria provided, single submitter. Criteria: ACMG Guidelines, 2015. Collection method: clinical testing. Allele origin: germline.

GeneDx
Classification: Likely benign. Last evaluated: 2020-10-05. Review status: criteria provided, single submitter. Criteria: GeneDx Variant Classification Process June 2021. Collection method: clinical testing. Allele origin: germline. Affected: yes.

ARUP Laboratories, Molecular Genetics and Genomics, ARUP Laboratories
Classification: Benign for Polycystic kidney disease, adult type. Last evaluated: 2018-10-01. Review status: criteria provided, single submitter. Criteria: ARUP Molecular Germline Variant Investigation Process. Collection method: clinical testing. Allele origin: germline.

PreventionGenetics, part of Exact Sciences
Classification: Likely benign. Review status: criteria provided, single submitter. Criteria: ACMG Guidelines, 2015. Collection method: clinical testing. Allele origin: germline.

Department of Pathology and Laboratory Medicine, Sinai Health System
Classification: Likely benign for Polycystic Kidney disease. Review status: no assertion criteria provided. Collection method: clinical testing. Allele origin: unknown. Affected: yes. Study: The Canadian Open Genetics Repository (COGR). Not counted in ClinVar's aggregate classification.
Comment: The PKD1 p.Thr2703= variant was not identified in the literature nor was it identified in the LOVD 3.0 or PKD1-LOVD databases. The variant was identified in dbSNP (ID: rs149879790) as "With Likely benign allele", ClinVar (classified as likely benign by PreventionGenetics), and ADPKD Mutation Database (as likely neutral by Athena Diagnostics). The variant was identified in control databases in 330 of 181400 chromosomes at a frequency of 0.002, increasing the likelihood this could be a low frequency benign variant (Genome Aggregation Database Feb 27, 2017). The variant was observed in the following populations: African in 180 of 15966 chromosomes (freq: 0.01), Other in 3 of 4834 chromosomes (freq: 0.0006), Latino in 12 of 25804 chromosomes (freq: 0.0005), European in 41 of 73996 chromosomes (freq: 0.0006), Ashkenazi Jewish in 6 of 8472 chromosomes (freq: 0.0007), Finnish in 86 of 15602 chromosomes (freq: 0.006), and South Asian in 2 of 23480 chromosomes (freq: 0.00009); it was not observed in the East Asian population. The p.Thr2703= variant is not expected to have clinical significance because it does not result in a change of amino acid and occurs at a non-highly conserved nucleotide at a known consensus splice site. In addition, in silico or computational prediction software programs (SpliceSiteFinder, MaxEntScan, NNSPLICE, GeneSplicer) do not predict a difference in splicing. In summary, based on the above information, the clinical significance of this variant cannot be determined with certainty at this time although we would lean towards a more benign role for this variant. This variant is classified as likely benign.

Genome Diagnostics Laboratory, University Medical Center Utrecht
Classification: Likely benign. Review status: no assertion criteria provided. Collection method: clinical testing. Allele origin: germline. Affected: yes. Study: VKGL Data-share Consensus. Not counted in ClinVar's aggregate classification.

Laboratory of Diagnostic Genome Analysis, Leiden University Medical Center (LUMC)
Classification: Likely benign. Review status: no assertion criteria provided. Collection method: clinical testing. Allele origin: germline. Affected: yes. Study: VKGL Data-share Consensus. Not counted in ClinVar's aggregate classification.